The following is an entry in ClinVar:

ClinVar aggregate classification (germline): Uncertain significance (1 of 4 stars; one submission).

Conditions:
Hereditary cancer-predisposing syndrome. Also called: Tumor predisposition; Hereditary Cancer Syndrome; Hereditary neoplastic syndrome; Neoplastic Syndromes, Hereditary. Identifiers: Orphanet 140162, MedGen C0027672, MeSH D009386, MONDO:0015356.

Submission:

Ambry Genetics
Classification: Uncertain significance for Hereditary cancer-predisposing syndrome. Last evaluated: 2025-04-12. Review status: criteria provided, single submitter. Criteria: Ambry Variant Classification Scheme 2023. Collection method: clinical testing. Allele origin: germline.
Comment: The p.S937F variant (also known as c.2810C>T), located in coding exon 21 of the KIT gene, results from a C to T substitution at nucleotide position 2810. The serine at codon 937 is replaced by phenylalanine, an amino acid with highly dissimilar properties. This amino acid position is conserved. In addition, this alteration is predicted to be tolerated by in silico analysis. Based on the available evidence, the clinical significance of this variant remains unclear.

NM_000222.3(KIT):c.2810C>T (p.Ser937Phe)

Gene: KIT (KIT proto-oncogene, receptor tyrosine kinase; plus strand). Cytogenetic location: 4q12.
Variant type: single nucleotide variant.
Coding change: c.2810C>T on transcript NM_000222.3 (MANE Select); coding-DNA position 2810, C replaced by T.
Protein change: p.Ser937Phe; replaces serine 937 with phenylalanine.
Molecular consequence: missense variant.
Genome position (GRCh38, 1-based): chr4:54,738,436, C>T. VCF-style: chr4-54738436-C-T. GRCh37 (hg19) VCF-style: chr4-55604602-C-T.
Other names: c.2798C>T, p.Ser933Phe (NM_001093772.2, NM_001385292.1); c.2813C>T, p.Ser938Phe (NM_001385284.1); c.2807C>T, p.Ser936Phe (NM_001385285.1); c.2795C>T, p.Ser932Phe (NM_001385286.1); c.2801C>T, p.Ser934Phe (NM_001385288.1); c.2810C>T, p.Ser937Phe (NM_001385290.1); short protein forms S933F, S938F, S932F, S934F, S936F, S937F.
Identifiers: ClinVar variation 2608069 (VCV002608069.3), dbSNP rs2109818159, ClinGen allele CA356915692.